The following is an entry in ClinVar:

ClinVar aggregate classification (germline): Pathogenic (1 of 4 stars; one submission).

Conditions:
Gorlin syndrome. Also called: Nevoid Basal Cell Carcinoma Syndrome; Basal cell nevus syndrome. Identifiers: Orphanet 377, MedGen C0004779, MONDO:0007187.

Submission:

Labcorp Genetics (formerly Invitae), Labcorp
Classification: Pathogenic for Gorlin syndrome. Last evaluated: 2018-09-26. Review status: criteria provided, single submitter. Criteria: Invitae Variant Classification Sherloc (09022015). Collection method: clinical testing. Allele origin: germline.
Comment: For these reasons, this variant has been classified as Pathogenic. Loss-of-function variants in PTCH1 are known to be pathogenic (PMID: 16301862, 16419085). This variant has not been reported in the literature in individuals with PTCH1-related disease. This variant is not present in population databases (ExAC no frequency). This sequence change creates a premature translational stop signal (p.Glu667*) in the PTCH1 gene. It is expected to result in an absent or disrupted protein product.

Literature cited by the submitters: PubMed 16301862; PubMed 16419085.

NM_000264.5(PTCH1):c.1999G>T (p.Glu667Ter)

Genes: PTCH1 (patched 1; minus strand), LOC100507346 (uncharacterized LOC100507346; plus strand). Cytogenetic location: 9q22.32.
Variant type: single nucleotide variant.
Coding change: c.1999G>T on transcript NM_000264.5 (MANE Select); coding-DNA position 1999, G replaced by T.
Protein change: p.Glu667Ter; replaces glutamic acid 667 with a stop codon.
Molecular consequence: nonsense. On other transcripts: non-coding transcript variant (2).
Genome position (GRCh38, 1-based): chr9:95,469,002, C>A on the plus strand (G>T on the coding strand, the complement: PTCH1 is on the minus strand). VCF-style: chr9-95469002-C-A. GRCh37 (hg19) VCF-style: chr9-98231284-C-A.
Other names: c.1801G>T, p.Glu601Ter (NM_001083602.3); c.1996G>T, p.Glu666Ter (NM_001083603.3); c.1546G>T, p.Glu516Ter (NM_001083604.3, NM_001083605.3, NM_001083606.3 and 1 more transcripts); c.1843G>T, p.Glu615Ter (NM_001354918.2); short protein forms E615*, E601*, E666*, E516*, E667*.
Identifiers: ClinVar variation 666074 (VCV000666074.7), dbSNP rs1588574943, ClinGen allele CA374115873.